The following is an entry in ClinVar:

ClinVar aggregate classification (germline): Pathogenic/Likely pathogenic. Review status: criteria provided, multiple submitters, no conflicts (2 of 4 stars). 4 submissions from 4 submitters: Pathogenic (2); Likely pathogenic (2). Last evaluated 2018-02-05.

Conditions:
Hereditary episodic ataxia. Also called: Episodic ataxia; EA syndrome; Episodic Ataxia syndrome. Identifiers: Orphanet 211062, MedGen C1720189, MONDO:0016227, HP:0002131.
Vertigo. Identifiers: MedGen C0042571, HP:0002321.
Seizure. Also called: Seizures. Identifiers: MedGen C0036572, HP:0001250.
Inborn genetic diseases. Identifiers: MedGen C0950123, MeSH D030342.
Developmental and epileptic encephalopathy, 11 (DEE11). Also called: Early infantile epileptic encephalopathy 11. Identifiers: Orphanet 1934, MedGen C3150987, MONDO:0013388, OMIM 613721.

Submissions (4):

Ambry Genetics
Classification: Likely pathogenic for Inborn genetic diseases. Last evaluated: 2018-02-05. Review status: criteria provided, single submitter. Criteria: Ambry Variant Classification Scheme 2023. Collection method: clinical testing. Allele origin: germline.
Comment: The p.S987I variant (also known as c.2960G>T), located in coding exon 16 of the SCN2A gene, results from a G to T substitution at nucleotide position 2960. The serine at codon 987 is replaced by isoleucine, an amino acid with dissimilar properties. This alteration has been detected as a de novo occurrence in an individual with early infantile epileptic encephalopathy (EIEE) (Trump N et al. J. Med. Genet., 2016 May;53:310-7) and was also detected in an individual with epilepsy, vertigo, and episodic ataxia (Fokstuen S et al. Hum. Genomics, 2016 Jun;10:24). In addition, this variant lies buried a domain and is more disruptive than known nearby pathogenic variants (Ambry internal data; Berman HM; Acta Crystallogr. D Biol. Crystallogr. 2002 Jun;58). This amino acid position is highly conserved in available vertebrate species. In addition, this alteration is predicted to be deleterious by in silico analysis. Based on the majority of available evidence to date, this variant is likely to be pathogenic.

GeneDx
Classification: Pathogenic. Last evaluated: 2016-04-01. Review status: criteria provided, single submitter. Criteria: GeneDx Variant Classification (06012015). Collection method: clinical testing. Allele origin: germline. Affected: yes.
Comment: The Ser987Ile missense change has not been published as a mutation, nor has it been reported as a benign polymorphism to our knowledge. The NHLBI ESP Exome Variant Project has not identified Ser987Ile in approximately 6,500 individuals of European or African American ethnicity, indicating that it is not a common benign variant in these populations. The amino acid substitution is non-conservative, as a polar Serine residue is replaced by a non-polar Isoleucine residue. The Ser987Ile substitution alters a highly conserved position in the intracellular loop between the second and third transmembrane domains, and other mutations in this region of the protein have been reported in association with benign familial neonatal-infantile seizures (Shi et al., 2012). Additionally, several in silico algorithms predict Ser987Ile is damaging to protein structure/function. Therefore, Ser987Ile is a strong candidate for a disease-causing mutation. The variant is found in EPILEPSY,INFANT-EPI panel(s).

Center of Genomic medicine, Geneva, University Hospital of Geneva
Classification: Pathogenic for Epilepsy; Episodic ataxia; Vertigo. Last evaluated: 2015-11-04. Review status: criteria provided, single submitter. Criteria: ACMG Guidelines, 2015. Collection method: clinical testing. Allele origin: de novo. Affected: yes.
Comment: Missense SCN2A variants have been reported to cause infantile epilepsy and one case of episodic ataxia caused by a missense variant in SCN2A. The observed variant has never been reported yet.

UCLA Clinical Genomics Center, UCLA
Classification: Likely pathogenic for Early infantile epileptic encephalopathy 11. Last evaluated: 2013-01-22. Review status: criteria provided, single submitter. Criteria: Lee et al. (JAMA. 2014). Collection method: clinical testing. Allele origin: de novo. Inheritance: Autosomal dominant inheritance. Affected: yes. Study: CES.

Literature cited by the submitters: PubMed 12037327 (cited by Ambry Genetics); PubMed 26993267 (cited by Ambry Genetics); PubMed 27353043 (cited by Ambry Genetics); PubMed 20956790 (cited by Center of Genomic medicine, Geneva, University Hospital of Geneva).

NM_001040142.2(SCN2A):c.2960G>T (p.Ser987Ile)

Gene: SCN2A (sodium voltage-gated channel alpha subunit 2; plus strand). Cytogenetic location: 2q24.3.
Variant type: single nucleotide variant.
Coding change: c.2960G>T on transcript NM_001040142.2 (MANE Select); coding-DNA position 2960, G replaced by T.
Protein change: p.Ser987Ile; replaces serine 987 with isoleucine.
Molecular consequence: missense variant.
Genome position (GRCh38, 1-based): chr2:165,354,232, G>T. VCF-style: chr2-165354232-G-T. GRCh37 (hg19) VCF-style: chr2-166210742-G-T.
Other names: p.S987I:AGT>ATT; c.2960G>T, p.Ser987Ile (NM_001040143.2, NM_001371246.1, NM_001371247.1 and 1 more transcripts); short protein forms S987I.
Identifiers: ClinVar variation 206978 (VCV000206978.5), dbSNP rs796053124, ClinGen allele CA209995.